The following is an entry in ClinVar:

NM_145200.5(CABP4):c.*2195G>A

Gene: CABP4 (calcium binding protein 4; plus strand). Cytogenetic location: 11q13.2.
Variant type: single nucleotide variant.
Coding change: c.*2195G>A on transcript NM_145200.5 (MANE Select); 2195 bases downstream of the stop codon, G replaced by A.
Molecular consequence: 3 prime UTR variant. On other transcripts: non-coding transcript variant (1).
Genome position (GRCh38, 1-based): chr11:67,460,854, G>A. VCF-style: chr11-67460854-G-A. GRCh37 (hg19) VCF-style: chr11-67228325-G-A.
Other names: c.*2195G>A (NM_001300895.3, NM_001300896.3, NM_001379183.1).
Identifiers: ClinVar variation 305708 (VCV000305708.5), dbSNP rs11822066, ClinGen allele CA10631373.

ClinVar aggregate classification (germline): Benign (1 of 4 stars; one submission).

Conditions:
Cone-rod synaptic disorder, congenital nonprogressive. Also called: NIGHT BLINDNESS, CONGENITAL STATIONARY, INCOMPLETE, AUTOSOMAL RECESSIVE. Identifiers: Orphanet 215, MedGen C4041558, MONDO:0012490, OMIM 610427.

Allele frequency attached by ClinVar (database versions not stated): 1000 Genomes Project 0.01538; gnomAD 0.01586 and 0.01710; 1000 Genomes Project 30x 0.01655; TOPMed 0.01738.
gnomAD v4.1: 2,382 of 152,038 alleles (1.6%); highest among the groups gnomAD compares: African/African-American, 5.4%; 80 homozygotes.

Submission:

Illumina Laboratory Services, Illumina
Classification: Benign for Cone-rod synaptic disorder, congenital nonprogressive. Last evaluated: 2018-01-13. Review status: criteria provided, single submitter. Criteria: ICSL Variant Classification Criteria 13 December 2019. Collection method: clinical testing. Allele origin: germline.
Comment: This variant was observed in the ICSL laboratory as part of a predisposition screen in an ostensibly healthy population. It had not been previously curated by ICSL or reported in the Human Gene Mutation Database (HGMD: prior to June 1st, 2018), and was therefore a candidate for classification through an automated scoring system. Utilizing variant allele frequency, disease prevalence and penetrance estimates, and inheritance mode, an automated score was calculated to assess if this variant is too frequent to cause the disease. Based on the score and internal cut-off values, a variant classified as benign is not then subjected to further curation. The score for this variant resulted in a classification of benign for this disease.